The following is an entry in ClinVar:

ClinVar aggregate classification (germline): Uncertain significance (1 of 4 stars; one submission).

Conditions:
Inborn genetic diseases. Identifiers: MedGen C0950123, MeSH D030342.

Submission:

Ambry Genetics
Classification: Uncertain significance for Inborn genetic diseases. Last evaluated: 2023-04-14. Review status: criteria provided, single submitter. Criteria: Ambry Variant Classification Scheme 2023. Collection method: clinical testing. Allele origin: germline.
Comment: The p.V365E variant (also known as c.1094T>A), located in coding exon 11 of the ERCC2 gene, results from a T to A substitution at nucleotide position 1094. The valine at codon 365 is replaced by glutamic acid, an amino acid with dissimilar properties. This amino acid position is conserved. In addition, this alteration is predicted to be deleterious by in silico analysis. Since supporting evidence is limited at this time, the clinical significance of this alteration remains unclear.

NM_000400.4(ERCC2):c.1094T>A (p.Val365Glu)

Gene: ERCC2 (ERCC excision repair 2, TFIIH core complex helicase subunit; minus strand). Cytogenetic location: 19q13.32.
Variant type: single nucleotide variant.
Coding change: c.1094T>A on transcript NM_000400.4 (MANE Select); coding-DNA position 1094, T replaced by A.
Protein change: p.Val365Glu; replaces valine 365 with glutamic acid.
Molecular consequence: missense variant.
Genome position (GRCh38, 1-based): chr19:45,363,767, A>T on the plus strand (T>A on the coding strand, the complement: ERCC2 is on the minus strand). VCF-style: chr19-45363767-A-T. GRCh37 (hg19) VCF-style: chr19-45867025-A-T.
Other names: c.1022T>A, p.Val341Glu (NM_001130867.2); short protein forms V341E, V365E.
Identifiers: ClinVar variation 2566689 (VCV002566689.2), dbSNP rs983369993, ClinGen allele CA406372143.
Genomic context (GRCh38, chr19:45,363,767, plus strand): 5'-CCGGGCCCCCACCCCGCGCGCTGTCTGGGGCCGCACCTGAGGGGCTTGCGCTGGATGCAC[A>T]CGCGCTGGGCCAGGCCGCTCAGGAAGGCGGGCGGGCTCTCCTGCACCACATGCTGCACAC-3'
Protein context (NP_000391.1, residues 355-375): PAFLSGLAQR[Val365Glu]CIQRKPLRFC